The following is an entry in ClinVar:

ClinVar aggregate classification (germline): Benign/Likely benign. Review status: criteria provided, multiple submitters, no conflicts (2 of 4 stars). 4 submissions from 4 submitters: Benign (1); Likely benign (3). Last evaluated 2026-06-28.

Conditions:
RGS9-related disorder. Also called: RGS9-related condition.
Inborn genetic diseases. Identifiers: MedGen C0950123, MeSH D030342.

Allele frequency attached by ClinVar (database versions not stated): ESP Exome Variant Server 0.00008; 1000 Genomes Project 30x 0.00078; 1000 Genomes Project 0.00080.
gnomAD v4.1: 204 of 1,609,072 alleles (0.013%); highest among the groups gnomAD compares: Admixed American, 0.27%; no homozygotes.

Submissions (4):

PreventionGenetics, part of Exact Sciences
Classification: Likely benign for RGS9-related condition. Last evaluated: 2026-06-28. Review status: criteria provided, single submitter. Criteria: ACMG Guidelines, 2015. Collection method: clinical testing. Allele origin: germline.
Comment: This variant is classified as likely benign based on ACMG/AMP sequence variant interpretation guidelines (Richards et al. 2015 PMID: 25741868, with internal and published modifications).

Labcorp Genetics (formerly Invitae), Labcorp
Classification: Likely benign. Last evaluated: 2026-01-02. Review status: criteria provided, single submitter. Criteria: Invitae Variant Classification Sherloc (09022015). Collection method: clinical testing. Allele origin: germline.

Ambry Genetics
Classification: Likely benign for Inborn genetic diseases. Last evaluated: 2025-04-11. Review status: criteria provided, single submitter. Criteria: Ambry Variant Classification Scheme 2023. Collection method: clinical testing. Allele origin: germline.

Blueprint Genetics
Classification: Benign. Last evaluated: 2024-11-18. Review status: criteria provided, single submitter. Criteria: ACMG Guidelines, 2015. Collection method: clinical testing. Allele origin: germline.

NM_003835.4(RGS9):c.1706G>A (p.Arg569Gln)

Gene: RGS9 (regulator of G protein signaling 9; plus strand). Cytogenetic location: 17q24.1.
Variant type: single nucleotide variant.
Coding change: c.1706G>A on transcript NM_003835.4 (MANE Select); coding-DNA position 1706, G replaced by A.
Protein change: p.Arg569Gln; replaces arginine 569 with glutamine.
Molecular consequence: missense variant.
Genome position (GRCh38, 1-based): chr17:65,225,300, G>A. VCF-style: chr17-65225300-G-A. GRCh37 (hg19) VCF-style: chr17-63221418-G-A.
Other names: c.1697G>A, p.Arg566Gln (NM_001081955.3); c.1706G>A (NM_003835.3); short protein forms R566Q, R569Q.
Identifiers: ClinVar variation 1108228 (VCV001108228.12), dbSNP rs190284951, ClinGen allele CA8718128.